The following is an entry in ClinVar:

NM_002439.5(MSH3):c.3106G>A (p.Glu1036Lys)

Gene: MSH3 (mutS homolog 3; plus strand). Cytogenetic location: 5q14.1.
Variant type: single nucleotide variant.
Coding change: c.3106G>A on transcript NM_002439.5 (MANE Select); coding-DNA position 3106, G replaced by A.
Protein change: p.Glu1036Lys; replaces glutamic acid 1036 with lysine.
Molecular consequence: missense variant.
Genome position (GRCh38, 1-based): chr5:80,864,918, G>A. VCF-style: chr5-80864918-G-A. GRCh37 (hg19) VCF-style: chr5-80160737-G-A.
Other names: c.3106G>A (NM_002439.3); short protein forms E1036K.
Identifiers: ClinVar variation 656548 (VCV000656548.9), dbSNP rs1580098699, ClinGen allele CA360346415.
Genomic context (GRCh38, chr5:80,864,918, plus strand): 5'-GAACTAGAAAAAAATTACTCACACCAGGTGGGGAATTACCACATGGGATTCTTGGTCAGT[G>A]AGGATGAAAGCAAACTGGATCCAGGTATGAAATATTCCTGCAGTTGGTACAAATATTGGT-3'
Protein context (NP_002430.3, residues 1026-1046): GNYHMGFLVS[Glu1036Lys]DESKLDPGAA

ClinVar aggregate classification (germline): Uncertain significance. Review status: criteria provided, multiple submitters, no conflicts (2 of 4 stars). 2 submissions from 2 submitters: Uncertain significance (2). Last evaluated 2026-03-31.

Conditions:
Hereditary cancer-predisposing syndrome. Also called: Tumor predisposition; Hereditary Cancer Syndrome; Neoplastic Syndromes, Hereditary; Hereditary neoplastic syndrome. Identifiers: Orphanet 140162, MedGen C0027672, MeSH D009386, MONDO:0015356.

Submissions (2):

Ambry Genetics
Classification: Uncertain significance for Hereditary cancer-predisposing syndrome. Last evaluated: 2026-03-31. Review status: criteria provided, single submitter. Criteria: Ambry Variant Classification Scheme 2023. Collection method: clinical testing. Allele origin: germline.
Comment: The p.E1036K variant (also known as c.3106G>A), located in coding exon 22 of the MSH3 gene, results from a G to A substitution at nucleotide position 3106. The glutamic acid at codon 1036 is replaced by lysine, an amino acid with similar properties. This amino acid position is well conserved in available vertebrate species. In addition, the in silico prediction for this alteration is inconclusive. Based on the available evidence, the clinical significance of this variant remains unclear.

Labcorp Genetics (formerly Invitae), Labcorp
Classification: Uncertain significance. Last evaluated: 2025-10-01. Review status: criteria provided, single submitter. Criteria: Invitae Variant Classification Sherloc (09022015). Collection method: clinical testing. Allele origin: germline.
Comment: This sequence change replaces glutamic acid, which is acidic and polar, with lysine, which is basic and polar, at codon 1036 of the MSH3 protein (p.Glu1036Lys). This variant is not present in population databases (gnomAD no frequency). This variant has not been reported in the literature in individuals affected with MSH3-related conditions. ClinVar contains an entry for this variant (Variation ID: 656548). An algorithm developed to predict the effect of missense changes on protein structure and function outputs the following: PolyPhen-2: "Benign". The lysine amino acid residue is found in multiple mammalian species, which suggests that this missense change does not adversely affect protein function. In summary, the available evidence is currently insufficient to determine the role of this variant in disease. Therefore, it has been classified as a Variant of Uncertain Significance.